The following is an entry in ClinVar:

ClinVar aggregate classification (germline): Uncertain significance (1 of 4 stars; one submission).

Allele frequency attached by ClinVar (database versions not stated): gnomAD 0.00001; gnomAD exomes 0.00002 and 0.00005; TOPMed 0.00003; ExAC 0.00009; 1000 Genomes Project 30x 0.00016.
gnomAD v4.1: 30 of 1,613,952 alleles (0.0019%); highest among the groups gnomAD compares: Non-Finnish European, 0.0022%; no homozygotes.

Submission:

GeneDx
Classification: Uncertain significance. Last evaluated: 2019-09-25. Review status: criteria provided, single submitter. Criteria: GeneDx Variant Classification Process June 2021. Collection method: clinical testing. Allele origin: germline. Affected: yes.
Comment: Not observe at a significant frequency in large population cohorts (Lek et al., 2016); In silico analysis, which includes protein predictors and evolutionary conservation, supports a deleterious effect; Has not been previously published as pathogenic or benign to our knowledge

NM_000182.5(HADHA):c.1799C>T (p.Ala600Val)

Genes: GAREM2 (GRB2 associated regulator of MAPK1 subtype 2; plus strand), HADHA (hydroxyacyl-CoA dehydrogenase trifunctional multienzyme complex subunit alpha; minus strand). Cytogenetic location: 2p23.3.
Variant type: single nucleotide variant.
Coding change: c.1799C>T on transcript NM_000182.5 (MANE Select); coding-DNA position 1799, C replaced by T.
Protein change: p.Ala600Val; replaces alanine 600 with valine.
Molecular consequence: missense variant.
Genome position (GRCh38, 1-based): chr2:26,193,663, G>A on the plus strand (C>T on the coding strand, the complement: HADHA is on the minus strand). VCF-style: chr2-26193663-G-A. GRCh37 (hg19) VCF-style: chr2-26416532-G-A.
Other names: short protein forms A600V.
Identifiers: ClinVar variation 1308843 (VCV001308843.2), dbSNP rs774863362, ClinGen allele CA1559455.